The following is an entry in ClinVar:

ClinVar aggregate classification (germline): Uncertain significance (1 of 4 stars; one submission).

gnomAD v4.1: 92 of 1,613,268 alleles (0.0057%); highest among the groups gnomAD compares: South Asian, 0.023%; no homozygotes.

Submission:

Women's Health and Genetics/Laboratory Corporation of America, LabCorp
Classification: Uncertain significance. Last evaluated: 2025-10-02. Review status: criteria provided, single submitter. Criteria: LabCorp Variant Classification Summary - May 2015. Collection method: clinical testing. Allele origin: germline.
Comment: Variant summary: TRPM7 c.3107T>C (p.Ile1036Thr) results in a non-conservative amino acid change in the encoded protein sequence. Algorithms developed to predict the effect of missense changes on protein structure and function all suggest that this variant is likely to be disruptive. The variant allele was found at a frequency of 9.2e-05 in 248938 control chromosomes. This frequency is not significantly higher than estimated for disease-causing variants in TRPM7, allowing no conclusion about variant significance. To our knowledge, no occurrence of c.3107T>C in individuals affected with TRPM7-related conditions and no experimental evidence demonstrating its impact on protein function have been reported. No submitters have cited clinical-significance assessments for this variant to ClinVar. Based on the evidence outlined above, the variant was classified as uncertain significance.

NM_017672.6(TRPM7):c.3107T>C (p.Ile1036Thr)

Gene: TRPM7 (transient receptor potential cation channel subfamily M member 7; minus strand). Cytogenetic location: 15q21.2.
Variant type: single nucleotide variant.
Coding change: c.3107T>C on transcript NM_017672.6 (MANE Select); coding-DNA position 3107, T replaced by C.
Protein change: p.Ile1036Thr; replaces isoleucine 1036 with threonine.
Molecular consequence: missense variant. On other transcripts: non-coding transcript variant (3).
Genome position (GRCh38, 1-based): chr15:50,599,178, A>G on the plus strand (T>C on the coding strand, the complement: TRPM7 is on the minus strand). VCF-style: chr15-50599178-A-G. GRCh37 (hg19) VCF-style: chr15-50891375-A-G.
Other names: c.3107T>C, p.Ile1036Thr (NM_001301212.2); short protein forms I1036T.
Identifiers: ClinVar variation 4687611 (VCV004687611.1).